The following is an entry in ClinVar:

NM_033026.6(PCLO):c.2060A>T (p.Asp687Val)

Gene: PCLO (piccolo presynaptic cytomatrix protein; minus strand). Cytogenetic location: 7q21.11.
Variant type: single nucleotide variant.
Coding change: c.2060A>T on transcript NM_033026.6 (MANE Select); coding-DNA position 2060, A replaced by T.
Protein change: p.Asp687Val; replaces aspartic acid 687 with valine.
Molecular consequence: missense variant.
Genome position (GRCh38, 1-based): chr7:83,135,490, T>A on the plus strand (A>T on the coding strand, the complement: PCLO is on the minus strand). VCF-style: chr7-83135490-T-A. GRCh37 (hg19) VCF-style: chr7-82764806-T-A.
Other names: c.2060A>T (NM_033026.5); c.2060A>T, p.Asp687Val (NM_014510.3); short protein forms D687V.
Identifiers: ClinVar variation 2049607 (VCV002049607.5), dbSNP rs2484840148, ClinGen allele CA367905000.
Genomic context (GRCh38, chr7:83,135,490, plus strand): 5'-ACTAGTGGTGGTGGCTTTTTAGGCTCAGGTGCCTTGGAGAGATCCTGTTTTGGTGCAGCA[T>A]CCTTCTTTGGGGAAGTCTGCTGTGGCTGTGGGGATGATTTGCTCACTGCTGATGTAGTGG-3'
Protein context (NP_149015.2, residues 677-697): PQPQQTSPKK[Asp687Val]AAPKQDLSKA

ClinVar aggregate classification (germline): Uncertain significance. Review status: criteria provided, multiple submitters, no conflicts (2 of 4 stars). 2 submissions from 2 submitters: Uncertain significance (2). Last evaluated 2024-05-29.

Conditions:
Inborn genetic diseases. Identifiers: MedGen C0950123, MeSH D030342.

Allele frequency attached by ClinVar (database versions not stated): gnomAD exomes 0.00001.
gnomAD v4.1: 14 of 1,613,818 alleles (0.00087%); highest among the groups gnomAD compares: Non-Finnish European, 0.0012%; no homozygotes.

Submissions (2):

Ambry Genetics
Classification: Uncertain significance for Inborn genetic diseases. Last evaluated: 2024-05-29. Review status: criteria provided, single submitter. Criteria: Ambry Variant Classification Scheme 2023. Collection method: clinical testing. Allele origin: germline.

Labcorp Genetics (formerly Invitae), Labcorp
Classification: Uncertain significance. Last evaluated: 2021-12-22. Review status: criteria provided, single submitter. Criteria: Invitae Variant Classification Sherloc (09022015). Collection method: clinical testing. Allele origin: germline.
Comment: This sequence change replaces aspartic acid, which is acidic and polar, with valine, which is neutral and non-polar, at codon 687 of the PCLO protein (p.Asp687Val). In summary, the available evidence is currently insufficient to determine the role of this variant in disease. Therefore, it has been classified as a Variant of Uncertain Significance. Algorithms developed to predict the effect of missense changes on protein structure and function are either unavailable or do not agree on the potential impact of this missense change (SIFT: "Deleterious"; PolyPhen-2: "Not Available"; Align-GVGD: "Class C0"). This variant has not been reported in the literature in individuals affected with PCLO-related conditions. This variant is not present in population databases (gnomAD no frequency).